The following is an entry in ClinVar:

NM_005006.7(NDUFS1):c.551+10T>G

Gene: NDUFS1 (NADH:ubiquinone oxidoreductase core subunit S1; minus strand). Cytogenetic location: 2q33.3.
Variant type: single nucleotide variant.
Coding change: c.551+10T>G on transcript NM_005006.7 (MANE Select); 10 bases into the intron after coding-DNA position 551, T replaced by G.
Molecular consequence: intron variant.
Genome position (GRCh38, 1-based): chr2:206,147,521, A>C on the plus strand (T>G on the coding strand, the complement: NDUFS1 is on the minus strand). VCF-style: chr2-206147521-A-C. GRCh37 (hg19) VCF-style: chr2-207012245-A-C.
Other names: c.218+10T>G (NM_001199982.2); c.380+10T>G (NM_001199983.2); c.443+10T>G (NM_001199981.2); c.593+10T>G (NM_001199984.2).
Identifiers: ClinVar variation 506819 (VCV000506819.1), dbSNP rs1553506824, ClinGen allele CA658796149.

ClinVar aggregate classification (germline): Likely benign (1 of 4 stars; one submission).

Submission:

GeneDx
Classification: Likely benign. Last evaluated: 2017-01-31. Review status: criteria provided, single submitter. Criteria: GeneDx Variant Classification (06012015). Collection method: clinical testing. Allele origin: germline. Affected: yes.
Comment: This variant is considered likely benign or benign based on one or more of the following criteria: it is a conservative change, it occurs at a poorly conserved position in the protein, it is predicted to be benign by multiple in silico algorithms, and/or has population frequency not consistent with disease.